The following is an entry in ClinVar:

ClinVar aggregate classification (germline): Pathogenic. Review status: criteria provided, multiple submitters, no conflicts (2 of 4 stars). 2 submissions from 2 submitters: Pathogenic (2). Last evaluated 2025-04-23.

Submissions (2):

GeneDx
Classification: Pathogenic. Last evaluated: 2025-04-23. Review status: criteria provided, single submitter. Criteria: GeneDx Variant Classification Process June 2021. Collection method: clinical testing. Allele origin: germline. Affected: yes.
Comment: Nonsense variant predicted to result in protein truncation or nonsense mediated decay in a gene for which loss of function is a known mechanism of disease; Not observed at significant frequency in large population cohorts (gnomAD); Also known as p.(Q1383X); This variant is associated with the following publications: (PMID: 25525159, 35243249, 18343956)

Labcorp Genetics (formerly Invitae), Labcorp
Classification: Pathogenic. Last evaluated: 2023-07-08. Review status: criteria provided, single submitter. Criteria: Invitae Variant Classification Sherloc (09022015). Collection method: clinical testing. Allele origin: germline.
Comment: ClinVar contains an entry for this variant (Variation ID: 1374408). For these reasons, this variant has been classified as Pathogenic. This premature translational stop signal has been observed in individual(s) with Alport syndrome (PMID: 18343956). This sequence change creates a premature translational stop signal (p.Gln1383*) in the COL4A5 gene. It is expected to result in an absent or disrupted protein product. Loss-of-function variants in COL4A5 are known to be pathogenic (PMID: 9195222, 10752524, 14514738, 24854265, 26809805). This variant is not present in population databases (gnomAD no frequency).

Literature cited by the submitters: PubMed 18343956 (cited by Labcorp Genetics (formerly Invitae), Labcorp); PubMed 9195222 (cited by Labcorp Genetics (formerly Invitae), Labcorp); PubMed 10752524 (cited by Labcorp Genetics (formerly Invitae), Labcorp); PubMed 14514738 (cited by Labcorp Genetics (formerly Invitae), Labcorp); PubMed 24854265 (cited by Labcorp Genetics (formerly Invitae), Labcorp); PubMed 26809805 (cited by Labcorp Genetics (formerly Invitae), Labcorp).

NM_033380.3(COL4A5):c.4165C>T (p.Gln1389Ter)

Gene: COL4A5 (collagen type IV alpha 5 chain; plus strand). Cytogenetic location: Xq22.3.
Variant type: single nucleotide variant.
Coding change: c.4165C>T on transcript NM_033380.3 (MANE Select); coding-DNA position 4165, C replaced by T.
Protein change: p.Gln1389Ter; replaces glutamine 1389 with a stop codon.
Molecular consequence: nonsense.
Genome position (GRCh38, 1-based): chrX:108,681,837, C>T. VCF-style: chrX-108681837-C-T. GRCh37 (hg19) VCF-style: chrX-107925067-C-T.
Other names: c.4165C>T (NM_033380.1); c.4147C>T, p.Gln1383Ter (NM_000495.5); short protein forms Q1383*, Q1389*.
Identifiers: ClinVar variation 1374408 (VCV001374408.6), dbSNP rs281874727, ClinGen allele CA258989.